The following is an entry in ClinVar:

NM_012268.4(PLD3):c.1067G>A (p.Arg356His)

Gene: PLD3 (phospholipase D family member 3; plus strand). Cytogenetic location: 19q13.2.
Variant type: single nucleotide variant.
Coding change: c.1067G>A on transcript NM_012268.4 (MANE Select); coding-DNA position 1067, G replaced by A.
Protein change: p.Arg356His; replaces arginine 356 with histidine.
Molecular consequence: missense variant.
Genome position (GRCh38, 1-based): chr19:40,376,656, G>A. VCF-style: chr19-40376656-G-A. GRCh37 (hg19) VCF-style: chr19-40882563-G-A.
Other names: p.Arg356His; c.1067G>A, p.Arg356His (NM_001031696.4, NM_001291311.2); short protein forms R356H.
Identifiers: ClinVar variation 3380619 (VCV003380619.1).
Genomic context (GRCh38, chr19:40,376,656, plus strand): 5'-CACCCGTCCTCAGGTTCTGGCCTGCCATTGACGATGGGCTGCGGCGGGCCACCTACGAGC[G>A]TGGCGTCAAGGTGCGCCTGCTCATCAGCTGCTGGGGACACTCGGAGCCATCCATGCGGGC-3'
Protein context (NP_036400.2, residues 346-366): DDGLRRATYE[Arg356His]GVKVRLLISC

ClinVar aggregate classification (germline): Uncertain significance (1 of 4 stars; one submission).

gnomAD v4.1: 71 of 1,607,296 alleles (0.0044%); highest among the groups gnomAD compares: South Asian, 0.02%; no homozygotes.

Submission:

Mayo Clinic Laboratories, Mayo Clinic
Classification: Uncertain significance. Last evaluated: 2023-08-02. Review status: criteria provided, single submitter. Criteria: ACMG Guidelines, 2015. Collection method: clinical testing. Allele origin: germline. Observed: 1 variant allele.
Comment: BS1

Literature cited by the submitters: PubMed 27081517; PubMed 30837833.